The following is an entry in ClinVar:

NM_000143.4(FH):c.623T>C (p.Leu208Ser)

Gene: FH (fumarate hydratase; minus strand). Cytogenetic location: 1q43.
Variant type: single nucleotide variant.
Coding change: c.623T>C on transcript NM_000143.4 (MANE Select); coding-DNA position 623, T replaced by C.
Protein change: p.Leu208Ser; replaces leucine 208 with serine.
Molecular consequence: missense variant.
Genome position (GRCh38, 1-based): chr1:241,508,718, A>G on the plus strand (T>C on the coding strand, the complement: FH is on the minus strand). VCF-style: chr1-241508718-A-G. GRCh37 (hg19) VCF-style: chr1-241672018-A-G.
Other names: short protein forms L208S.
Identifiers: ClinVar variation 2896650 (VCV002896650.5), dbSNP rs1659995651, ClinGen allele CA345439373.
Genomic context (GRCh38, chr1:241,508,718, plus strand): 5'-ATCTGTGCAAACTCTTTGGATTTTGCATCAAGAGCATCATGTAACTTCTGTAGTCCTGGT[A>G]ACAGTACTTCATGAACTTCTATTGCAGCAGCAATGTGCATTGCTGTGGGAAAAGTATCAT-3'
Protein context (NP_000134.2, residues 198-218): AAAIEVHEVL[Leu208Ser]PGLQKLHDAL

ClinVar aggregate classification (germline): Uncertain significance. Review status: criteria provided, multiple submitters, no conflicts (2 of 4 stars). 3 submissions from 3 submitters: Uncertain significance (3). Last evaluated 2026-02-09.

Conditions:
Hereditary cancer-predisposing syndrome. Also called: Tumor predisposition; Neoplastic Syndromes, Hereditary; Hereditary Cancer Syndrome; Hereditary neoplastic syndrome. Identifiers: Orphanet 140162, MedGen C0027672, MeSH D009386, MONDO:0015356.

Allele frequency attached by ClinVar (database versions not stated): gnomAD exomes below 0.00001.
gnomAD v4.1: 1 of 1,613,828 alleles (0.000062%); highest among the groups gnomAD compares: African/African-American, 0.0013%; no homozygotes.

Submissions (3):

Ambry Genetics
Classification: Uncertain significance for Hereditary cancer-predisposing syndrome. Last evaluated: 2026-02-09. Review status: criteria provided, single submitter. Criteria: Ambry Variant Classification Scheme 2023. Collection method: clinical testing. Allele origin: germline.
Comment: The p.L208S variant (also known as c.623T>C), located in coding exon 5 of the FH gene, results from a T to C substitution at nucleotide position 623. The leucine at codon 208 is replaced by serine, an amino acid with dissimilar properties. This amino acid position is highly conserved in available vertebrate species. In addition, this alteration is predicted to be deleterious by in silico analysis. Based on the available evidence, the clinical significance of this variant remains unclear.

Labcorp Genetics (formerly Invitae), Labcorp
Classification: Uncertain significance. Last evaluated: 2024-10-17. Review status: criteria provided, single submitter. Criteria: Invitae Variant Classification Sherloc (09022015). Collection method: clinical testing. Allele origin: germline.
Comment: This sequence change replaces leucine, which is neutral and non-polar, with serine, which is neutral and polar, at codon 208 of the FH protein (p.Leu208Ser). This variant is not present in population databases (gnomAD no frequency). This variant has not been reported in the literature in individuals affected with FH-related conditions. Invitae Evidence Modeling of protein sequence and biophysical properties (such as structural, functional, and spatial information, amino acid conservation, physicochemical variation, residue mobility, and thermodynamic stability) indicates that this missense variant is expected to disrupt FH protein function with a positive predictive value of 95%. In summary, the available evidence is currently insufficient to determine the role of this variant in disease. Therefore, it has been classified as a Variant of Uncertain Significance.

GeneDx
Classification: Uncertain significance. Last evaluated: 2024-01-07. Review status: criteria provided, single submitter. Criteria: GeneDx Variant Classification Process June 2021. Collection method: clinical testing. Allele origin: germline. Affected: yes.
Comment: Not observed at significant frequency in large population cohorts (gnomAD); In silico analysis supports that this missense variant has a deleterious effect on protein structure/function; Has not been previously published as pathogenic or benign to our knowledge